The following is an entry in ClinVar:

ClinVar aggregate classification (germline): Pathogenic (1 of 4 stars; one submission).

Submission:

Labcorp Genetics (formerly Invitae), Labcorp
Classification: Pathogenic. Last evaluated: 2023-04-14. Review status: criteria provided, single submitter. Criteria: Invitae Variant Classification Sherloc (09022015). Collection method: clinical testing. Allele origin: germline.
Comment: For these reasons, this variant has been classified as Pathogenic. This variant has not been reported in the literature in individuals affected with MUT-related conditions. This variant is not present in population databases (gnomAD no frequency). This sequence change creates a premature translational stop signal (p.Pro86Glnfs*3) in the MUT gene. It is expected to result in an absent or disrupted protein product. Loss-of-function variants in MUT are known to be pathogenic (PMID: 15781192).

Literature cited by the submitters: PubMed 15781192.

NM_000255.4(MMUT):c.257del (p.Pro86fs)

Gene: MMUT (methylmalonyl-CoA mutase; minus strand). Cytogenetic location: 6p12.3.
Variant type: Deletion.
Coding change: c.257del on transcript NM_000255.4 (MANE Select); coding-DNA position 257, one base deleted (C; older notation c.257delC).
Protein change: p.Pro86fs; shifts the reading frame from proline 86.
Molecular consequence: frameshift variant.
Genome position (GRCh38, 1-based): chr6:49,459,210, G deleted on the plus strand (C on the coding strand, the reverse complement: MMUT is on the minus strand); the first of 2 consecutive G bases (chr6:49,459,210-49,459,211); deleting either gives the same sequence. VCF-style (leftmost placement, unchanged base first): chr6-49459209-TG-T. GRCh37 (hg19) VCF-style: chr6-49426922-TG-T.
Other names: short protein forms P86fs.
Identifiers: ClinVar variation 2856062 (VCV002856062.3), dbSNP rs2481350198, ClinGen allele CA2739273065.